The following is an entry in ClinVar:

ClinVar aggregate classification (germline): Uncertain significance (1 of 4 stars; one submission).

Conditions:
Congenital dyserythropoietic anemia, type II (CDAN2). Also called: DYSERYTHROPOIETIC ANEMIA, HEMPAS TYPE. Identifiers: Orphanet 98873, MedGen C1306589, MONDO:0009134, OMIM 224100.
Cowden syndrome 7 (CWS7). Identifiers: Orphanet 201, MedGen C4225179, MONDO:0014802, OMIM 616858.

Submission:

Labcorp Genetics (formerly Invitae), Labcorp
Classification: Uncertain significance for Congenital dyserythropoietic anemia, type II; Cowden syndrome 7. Last evaluated: 2024-06-15. Review status: criteria provided, single submitter. Criteria: Invitae Variant Classification Sherloc (09022015). Collection method: clinical testing. Allele origin: germline.
Comment: This sequence change replaces glycine, which is neutral and non-polar, with glutamic acid, which is acidic and polar, at codon 737 of the SEC23B protein (p.Gly737Glu). This variant is not present in population databases (gnomAD no frequency). This variant has not been reported in the literature in individuals affected with SEC23B-related conditions. An algorithm developed to predict the effect of missense changes on protein structure and function (PolyPhen-2) suggests that this variant is likely to be disruptive. In summary, the available evidence is currently insufficient to determine the role of this variant in disease. Therefore, it has been classified as a Variant of Uncertain Significance.

NM_006363.6(SEC23B):c.2210G>A (p.Gly737Glu)

Gene: SEC23B (SEC23 homolog B, COPII component; plus strand). Cytogenetic location: 20p11.23.
Variant type: single nucleotide variant.
Coding change: c.2210G>A on transcript NM_006363.6 (MANE Select); coding-DNA position 2210, G replaced by A.
Protein change: p.Gly737Glu; replaces glycine 737 with glutamic acid.
Molecular consequence: missense variant.
Genome position (GRCh38, 1-based): chr20:18,555,169, G>A. VCF-style: chr20-18555169-G-A. GRCh37 (hg19) VCF-style: chr20-18535813-G-A.
Other names: c.2210G>A, p.Gly737Glu (NM_001172745.3, NM_032985.6, NM_032986.5); c.2156G>A, p.Gly719Glu (NM_001172746.3); short protein forms G719E, G737E.
Identifiers: ClinVar variation 3751213 (VCV003751213.2).